The following is an entry in ClinVar:

NM_005560.6(LAMA5):c.3559G>T (p.Val1187Phe)

Gene: LAMA5 (laminin subunit alpha 5; minus strand). Cytogenetic location: 20q13.33.
Variant type: single nucleotide variant.
Coding change: c.3559G>T on transcript NM_005560.6 (MANE Select); coding-DNA position 3559, G replaced by T.
Protein change: p.Val1187Phe; replaces valine 1187 with phenylalanine.
Molecular consequence: missense variant.
Genome position (GRCh38, 1-based): chr20:62,331,123, C>A on the plus strand (G>T on the coding strand, the complement: LAMA5 is on the minus strand). VCF-style: chr20-62331123-C-A. GRCh37 (hg19) VCF-style: chr20-60906179-C-A.
Other names: short protein forms V1187F.
Identifiers: ClinVar variation 4795663 (VCV004795663.1).

ClinVar aggregate classification (germline): Uncertain significance (1 of 4 stars; one submission).

gnomAD v4.1: 1 of 1,577,196 alleles (0.000063%); highest among the groups gnomAD compares: Admixed American, 0.0018%; no homozygotes.

Submission:

GeneDx
Classification: Uncertain significance. Last evaluated: 2025-08-12. Review status: criteria provided, single submitter. Criteria: GeneDx Variant Classification Process June 2021. Collection method: clinical testing. Allele origin: germline. Affected: yes.
Comment: Not observed at significant frequency in large population cohorts (gnomAD); In silico analysis supports that this missense variant has a deleterious effect on protein structure/function; Has not been previously published as pathogenic or benign to our knowledge